The following is an entry in ClinVar:

ClinVar aggregate classification (germline): Uncertain significance (1 of 4 stars; one submission).

Allele frequency attached by ClinVar (database versions not stated): gnomAD 0.00001; TOPMed 0.00002; gnomAD exomes 0.00003.
gnomAD v4.1: 47 of 1,613,950 alleles (0.0029%); highest among the groups gnomAD compares: Non-Finnish European, 0.0033%; no homozygotes.

Submission:

Centre of Medical Genetics, University Hospital Muenster
Classification: Uncertain significance. Last evaluated: 2023-01-02. Review status: criteria provided, single submitter. Criteria: ACMG Guidelines, 2015. Collection method: clinical testing. Allele origin: unknown. Affected: yes. Observed: 1 variant allele, 1 heterozygote.
Comment: ACMG categories: PP3

NM_003128.3(SPTBN1):c.688G>A (p.Ala230Thr)

Gene: SPTBN1 (spectrin beta, non-erythrocytic 1; plus strand). Cytogenetic location: 2p16.2.
Variant type: single nucleotide variant.
Coding change: c.688G>A on transcript NM_003128.3 (MANE Select); coding-DNA position 688, G replaced by A.
Protein change: p.Ala230Thr; replaces alanine 230 with threonine.
Molecular consequence: missense variant.
Genome position (GRCh38, 1-based): chr2:54,618,118, G>A. VCF-style: chr2-54618118-G-A. GRCh37 (hg19) VCF-style: chr2-54845255-G-A.
Other names: c.649G>A, p.Ala217Thr (NM_178313.3); short protein forms A217T, A230T.
Identifiers: ClinVar variation 2430319 (VCV002430319.2), dbSNP rs760099132, ClinGen allele CA1660192.